The following is an entry in ClinVar:

ClinVar aggregate classification (germline): Uncertain significance (1 of 4 stars; one submission).

Conditions:
Lethal multiple pterygium syndrome (LMPS). Identifiers: Orphanet 33108, MedGen C1854678, MONDO:0009668, OMIM 253290.

Allele frequency attached by ClinVar (database versions not stated): gnomAD exomes 0.00001 and 0.00005; gnomAD 0.00002 and 0.00004; TOPMed 0.00004; ExAC 0.00005; 1000 Genomes Project 0.00060; 1000 Genomes Project 30x 0.00062.
gnomAD v4.1: 23 of 1,614,100 alleles (0.0014%); highest among the groups gnomAD compares: Admixed American, 0.023%; no homozygotes.

Submission:

Labcorp Genetics (formerly Invitae), Labcorp
Classification: Uncertain significance for Lethal multiple pterygium syndrome. Last evaluated: 2022-11-07. Review status: criteria provided, single submitter. Criteria: Invitae Variant Classification Sherloc (09022015). Collection method: clinical testing. Allele origin: germline.
Comment: In summary, the available evidence is currently insufficient to determine the role of this variant in disease. Therefore, it has been classified as a Variant of Uncertain Significance. Advanced modeling of protein sequence and biophysical properties (such as structural, functional, and spatial information, amino acid conservation, physicochemical variation, residue mobility, and thermodynamic stability) performed at Invitae indicates that this missense variant is not expected to disrupt CHRNA1 protein function. ClinVar contains an entry for this variant (Variation ID: 1388965). This variant has not been reported in the literature in individuals affected with CHRNA1-related conditions. This variant is present in population databases (rs550013897, gnomAD 0.03%). This sequence change replaces alanine, which is neutral and non-polar, with threonine, which is neutral and polar, at codon 307 of the CHRNA1 protein (p.Ala307Thr).

NM_000079.4(CHRNA1):c.919G>A (p.Ala307Thr)

Gene: CHRNA1 (cholinergic receptor nicotinic alpha 1 subunit; minus strand). Cytogenetic location: 2q31.1.
Variant type: single nucleotide variant.
Coding change: c.919G>A on transcript NM_000079.4 (MANE Select); coding-DNA position 919, G replaced by A.
Protein change: p.Ala307Thr; replaces alanine 307 with threonine.
Molecular consequence: missense variant.
Genome position (GRCh38, 1-based): chr2:174,750,029, C>T on the plus strand (G>A on the coding strand, the complement: CHRNA1 is on the minus strand). VCF-style: chr2-174750029-C-T. GRCh37 (hg19) VCF-style: chr2-175614757-C-T.
Other names: c.994G>A, p.Ala332Thr (NM_001039523.3); short protein forms A332T, A307T.
Identifiers: ClinVar variation 1388965 (VCV001388965.6), dbSNP rs550013897, ClinGen allele CA1974425.